The following is an entry in ClinVar:

NM_001172501.3(SLC6A2):c.733G>A (p.Val245Ile)

Gene: SLC6A2 (solute carrier family 6 member 2; plus strand). Cytogenetic location: 16q12.2.
Variant type: single nucleotide variant.
Coding change: c.733G>A on transcript NM_001172501.3 (MANE Select); coding-DNA position 733, G replaced by A.
Protein change: p.Val245Ile; replaces valine 245 with isoleucine.
Molecular consequence: missense variant.
Genome position (GRCh38, 1-based): chr16:55,685,231, G>A. VCF-style: chr16-55685231-G-A. GRCh37 (hg19) VCF-style: chr16-55719143-G-A.
Other names: c.418G>A, p.Val140Ile (NM_001172502.1); c.733G>A, p.Val245Ile (NM_001172504.1, NM_001043.3); short protein forms V140I, V245I.
Identifiers: ClinVar variation 769421 (VCV000769421.30), dbSNP rs1805066, ClinGen allele CA8061541.

ClinVar aggregate classification (germline): Benign. Review status: criteria provided, multiple submitters, no conflicts (2 of 4 stars). 4 submissions from 4 submitters: Benign (3). 1 of the submissions does not count toward it. Last evaluated 2025-02-01.

Conditions:
SLC6A2-related disorder.

Allele frequency attached by ClinVar (database versions not stated): 1000 Genomes Project 0.00160; 1000 Genomes Project 30x 0.00172; TOPMed 0.00534; gnomAD exomes 0.00607 and 0.00915; ExAC 0.00609; gnomAD 0.00612 and 0.00618; ESP Exome Variant Server 0.00654.
gnomAD v4.1: 14,193 of 1,614,014 alleles (0.88%); highest among the groups gnomAD compares: Non-Finnish European, 1.1%; 77 homozygotes.

Submissions (4):

CeGaT Center for Human Genetics Tuebingen
Classification: Benign. Last evaluated: 2025-02-01. Review status: criteria provided, single submitter. Criteria: CeGaT Center For Human Genetics Tuebingen Variant Classification Criteria Version 2. Collection method: clinical testing. Allele origin: germline. Affected: yes. Observed: 2 variant alleles.
Comment: SLC6A2: BP4, BS1, BS2

Labcorp Genetics (formerly Invitae), Labcorp
Classification: Benign. Last evaluated: 2019-12-31. Review status: criteria provided, single submitter. Criteria: Invitae Variant Classification Sherloc (09022015). Collection method: clinical testing. Allele origin: germline.

Breakthrough Genomics
Classification: Benign. Review status: criteria provided, single submitter. Criteria: ACMG Guidelines, 2015. Collection method: not provided. Allele origin: germline. Inheritance: Autosomal dominant inheritance. Affected: yes.

PreventionGenetics, part of Exact Sciences
Classification: Likely benign for SLC6A2-related condition. Last evaluated: 2019-05-07. Review status: no assertion criteria provided. Collection method: clinical testing. Allele origin: germline. Not counted in ClinVar's aggregate classification.
Comment: This variant is classified as likely benign based on ACMG/AMP sequence variant interpretation guidelines (Richards et al. 2015 PMID: 25741868, with internal and published modifications).